The following is an entry in ClinVar:

NM_002474.3(MYH11):c.5100G>C (p.Glu1700Asp)

Genes: MYH11 (myosin heavy chain 11; minus strand), NDE1 (nudE neurodevelopment protein 1; plus strand). Cytogenetic location: 16p13.11.
Variant type: single nucleotide variant.
Coding change: c.5100G>C on transcript NM_002474.3 (MANE Select); coding-DNA position 5100, G replaced by C.
Protein change: p.Glu1700Asp; replaces glutamic acid 1700 with aspartic acid.
Molecular consequence: missense variant. On other transcripts: intron variant (2).
Genome position (GRCh38, 1-based): chr16:15,719,291, C>G on the plus strand (G>C on the coding strand, the complement: MYH11 is on the minus strand). VCF-style: chr16-15719291-C-G. GRCh37 (hg19) VCF-style: chr16-15813148-C-G.
Other names: c.5121G>C, p.Glu1707Asp (NM_001040113.2, NM_001040114.2); c.5100G>C, p.Glu1700Asp (NM_022844.3); c.948-4900C>G (NM_001143979.2, NM_017668.3); c.5100G>C (NM_002474.2); short protein forms E1700D, E1707D.
Identifiers: ClinVar variation 3896638 (VCV003896638.4).
Genomic context (GRCh38, chr16:15,719,291, plus strand): 5'-GCTACTGGCCAGCTCCTCTGCCAGTTCCTCCTTCTCGAGGTCCGCTTGTTTGCGAGCCCT[C>G]TCAGCGGCGGCGAGGTCCTAGGTGGGAGGGAGGAAGGCTGTTGTCTGCCAGGGAAAGGCC-3'
Protein context (NP_002465.1, residues 1690-1710): MQLQEDLAAA[Glu1700Asp]RARKQADLEK

ClinVar aggregate classification (germline): Uncertain significance. Review status: criteria provided, multiple submitters, no conflicts (2 of 4 stars). 3 submissions from 3 submitters: Uncertain significance (3). Last evaluated 2025-07-15.

Conditions:
Familial thoracic aortic aneurysm and aortic dissection (TAAD). Also called: Thoracic aortic aneurysms and dissections. Identifiers: Orphanet 91387, MedGen C4707243, MONDO:0019625.

gnomAD v4.1: 3 of 1,612,058 alleles (0.00019%); highest among the groups gnomAD compares: Non-Finnish European, 0.00025%; no homozygotes.

Submissions (3):

Color Diagnostics, LLC DBA Color Health
Classification: Uncertain significance for Familial thoracic aortic aneurysm and aortic dissection. Last evaluated: 2025-07-15. Review status: criteria provided, single submitter. Criteria: ACMG Guidelines, 2015. Collection method: clinical testing. Allele origin: germline.
Comment: This missense variant replaces glutamic acid with aspartic acid at codon 1707 of the MYH11 protein. Computational prediction suggests that this variant may not impact protein structure and function. To our knowledge, functional studies have not been reported for this variant. This variant has not been reported in individuals affected with MYH11-related disorders in the literature. This variant has been identified in 1/31388 chromosomes in the general population by the Genome Aggregation Database (gnomAD). The available evidence is insufficient to determine the role of this variant in disease conclusively. Therefore, this variant is classified as a Variant of Uncertain Significance.

Ambry Genetics
Classification: Uncertain significance for Familial thoracic aortic aneurysm and aortic dissection. Last evaluated: 2025-04-30. Review status: criteria provided, single submitter. Criteria: Ambry Variant Classification Scheme 2023. Collection method: clinical testing. Allele origin: germline.
Comment: The p.E1700D variant (also known as c.5100G>C), located in coding exon 35 of the MYH11 gene, results from a G to C substitution at nucleotide position 5100. The glutamic acid at codon 1700 is replaced by aspartic acid, an amino acid with highly similar properties. This amino acid position is conserved. In addition, this alteration is predicted to be tolerated by in silico analysis. Based on the available evidence, the clinical significance of this variant remains unclear.

Women's Health and Genetics/Laboratory Corporation of America, LabCorp
Classification: Uncertain significance. Last evaluated: 2025-04-25. Review status: criteria provided, single submitter. Criteria: LabCorp Variant Classification Summary - May 2015. Collection method: clinical testing. Allele origin: germline.